The following is an entry in ClinVar:

NM_001430.5(EPAS1):c.589G>A (p.Gly197Ser)

Genes: EPAS1 (endothelial PAS domain protein 1; plus strand), LOC126806210 (BRD4-independent group 4 enhancer GRCh37_chr2:46587586-46588785; plus strand). Cytogenetic location: 2p21.
Variant type: single nucleotide variant.
Coding change: c.589G>A on transcript NM_001430.5 (MANE Select); coding-DNA position 589, G replaced by A.
Protein change: p.Gly197Ser; replaces glycine 197 with serine.
Molecular consequence: missense variant.
Genome position (GRCh38, 1-based): chr2:46,360,900, G>A. VCF-style: chr2-46360900-G-A. GRCh37 (hg19) VCF-style: chr2-46588039-G-A.
Other names: short protein forms G197S.
Identifiers: ClinVar variation 1750362 (VCV001750362.2), dbSNP rs2103636726, ClinGen allele CA346699714.

ClinVar aggregate classification (germline): Uncertain significance (1 of 4 stars; one submission).

Conditions:
Inborn genetic diseases. Identifiers: MedGen C0950123, MeSH D030342.

Submission:

Ambry Genetics
Classification: Uncertain significance for Inborn genetic diseases. Last evaluated: 2021-10-06. Review status: criteria provided, single submitter. Criteria: Ambry Variant Classification Scheme 2023. Collection method: clinical testing. Allele origin: germline.
Comment: The p.G197S variant (also known as c.589G>A), located in coding exon 6 of the EPAS1 gene, results from a G to A substitution at nucleotide position 589. The glycine at codon 197 is replaced by serine, an amino acid with similar properties. This amino acid position is conserved. In addition, the in silico prediction for this alteration is inconclusive. Since supporting evidence is limited at this time, the clinical significance of this alteration remains unclear.